The following is an entry in ClinVar:

NM_032737.4(LMNB2):c.1433A>C (p.Glu478Ala)

Gene: LMNB2 (lamin B2; minus strand). Cytogenetic location: 19p13.3.
Variant type: single nucleotide variant.
Coding change: c.1433A>C on transcript NM_032737.4 (MANE Select); coding-DNA position 1433, A replaced by C.
Protein change: p.Glu478Ala; replaces glutamic acid 478 with alanine.
Molecular consequence: missense variant.
Genome position (GRCh38, 1-based): chr19:2,433,875, T>G on the plus strand (A>C on the coding strand, the complement: LMNB2 is on the minus strand). VCF-style: chr19-2433875-T-G. GRCh37 (hg19) VCF-style: chr19-2433873-T-G.
Other names: short protein forms E478A.
Identifiers: ClinVar variation 4682272 (VCV004682272.1).

ClinVar aggregate classification (germline): Uncertain significance (1 of 4 stars; one submission).

Submission:

Athena Diagnostics
Classification: Uncertain significance. Last evaluated: 2025-06-04. Review status: criteria provided, single submitter. Criteria: Athena Diagnostics Criteria. Collection method: clinical testing. Allele origin: unknown.
Comment: Available data are insufficient to determine the clinical significance of the variant at this time. The frequency of this variant in the general population is uninformative in assessment of its pathogenicity. Polyphen and MutationTaster yielded discordant predictions regarding whether this amino acid change is damaging to the protein.